The following is an entry in ClinVar:

ClinVar aggregate classification (germline): Likely pathogenic (1 of 4 stars; one submission).

Conditions:
Congenital bile acid synthesis defect 2 (CBAS2). Also called: CHOLESTASIS WITH DELTA(4)-3-OXOSTEROID 5-BETA-REDUCTASE DEFICIENCY. Identifiers: Orphanet 79303, MedGen C1856127, MONDO:0009339, OMIM 235555.

Submission:

Women's Health and Genetics/Laboratory Corporation of America, LabCorp
Classification: Likely pathogenic for Congenital bile acid synthesis defect 2. Last evaluated: 2025-09-25. Review status: criteria provided, single submitter. Criteria: LabCorp Variant Classification Summary - May 2015. Collection method: clinical testing. Allele origin: germline.
Comment: Variant summary: AKR1D1 c.158A>G (p.Asp53Gly) results in a non-conservative amino acid change in the encoded protein sequence. Algorithms developed to predict the effect of missense changes on protein structure and function all suggest that this variant is likely to be disruptive. The variant was absent in 251124 control chromosomes. c.158A>G has been observed in individual(s) affected with Congenital bile acid synthesis defect 2 (Cheema_2023, Zhang_2019). These data indicate that the variant is likely to be associated with disease. To our knowledge, no experimental evidence demonstrating an impact on protein function has been reported. The following publications have been ascertained in the context of this evaluation (PMID: 37697751, 30809085). No submitters have cited clinical-significance assessments for this variant to ClinVar. Based on the evidence outlined above, the variant was classified as likely pathogenic.

Literature cited by the submitters: PubMed 30809085; PubMed 37697751.

NM_005989.4(AKR1D1):c.158A>G (p.Asp53Gly)

Gene: AKR1D1 (aldo-keto reductase family 1 member D1; plus strand). Cytogenetic location: 7q33.
Variant type: single nucleotide variant.
Coding change: c.158A>G on transcript NM_005989.4 (MANE Select); coding-DNA position 158, A replaced by G.
Protein change: p.Asp53Gly; replaces aspartic acid 53 with glycine.
Molecular consequence: missense variant.
Genome position (GRCh38, 1-based): chr7:138,088,665, A>G. VCF-style: chr7-138088665-A-G. GRCh37 (hg19) VCF-style: chr7-137773411-A-G.
Other names: c.158A>G, p.Asp53Gly (NM_001190906.2, NM_001190907.2); short protein forms D53G.
Identifiers: ClinVar variation 4535962 (VCV004535962.1).